The following is an entry in ClinVar:

ClinVar aggregate classification (germline): Uncertain significance. Review status: criteria provided, multiple submitters, no conflicts (2 of 4 stars). 2 submissions from 2 submitters: Uncertain significance (2). Last evaluated 2025-12-31.

Conditions:
Cardiomyopathy (CMYO). Also called: Cardiomyopathies. Identifiers: Orphanet 167848, MedGen C0878544, MONDO:0004994, HP:0001638. Inheritance: Various modes of inheritance.
Catecholaminergic polymorphic ventricular tachycardia 1. Also called: VENTRICULAR TACHYCARDIA, CATECHOLAMINERGIC POLYMORPHIC, 1, WITH OR WITHOUT ATRIAL DYSFUNCTION AND/OR DILATED CARDIOMYOPATHY; VENTRICULAR TACHYCARDIA, STRESS-INDUCED POLYMORPHIC 1; RYR2-Related Catecholaminergic Polymorphic Ventricular Tachycardia. Identifiers: Orphanet 3286, MedGen C1631597, MONDO:0011484, OMIM 604772.

Allele frequency attached by ClinVar (database versions not stated): gnomAD exomes below 0.00001 and 0.00001.
gnomAD v4.1: 4 of 1,612,042 alleles (0.00025%); highest among the groups gnomAD compares: Non-Finnish European, 0.00034%; no homozygotes.

Submissions (2):

Labcorp Genetics (formerly Invitae), Labcorp
Classification: Uncertain significance for Catecholaminergic polymorphic ventricular tachycardia 1. Last evaluated: 2025-12-31. Review status: criteria provided, single submitter. Criteria: Invitae Variant Classification Sherloc (09022015). Collection method: clinical testing. Allele origin: germline.
Comment: This sequence change replaces alanine, which is neutral and non-polar, with threonine, which is neutral and polar, at codon 4542 of the RYR2 protein (p.Ala4542Thr). This variant is present in population databases (no rsID available, gnomAD 0.002%). This missense change has been observed in individual(s) with sudden infant death syndrome (PMID: 29544605). ClinVar contains an entry for this variant (Variation ID: 926290). Invitae Evidence Modeling of protein sequence and biophysical properties (such as structural, functional, and spatial information, amino acid conservation, physicochemical variation, residue mobility, and thermodynamic stability) indicates that this missense variant is not expected to disrupt RYR2 protein function with a negative predictive value of 95%. In summary, the available evidence is currently insufficient to determine the role of this variant in disease. Therefore, it has been classified as a Variant of Uncertain Significance.

Color Diagnostics, LLC DBA Color Health
Classification: Uncertain significance for Cardiomyopathy. Last evaluated: 2019-08-03. Review status: criteria provided, single submitter. Criteria: ACMG Guidelines, 2015. Collection method: clinical testing. Allele origin: germline.
Comment: This missense variant replaces alanine with threonine at codon 4542 of the RYR2 protein. Computational prediction tools and conservation analyses suggest that this variant may not impact protein function. Computational splicing tools suggest that this variant may not impact RNA splicing. To our knowledge, functional assays have not been performed for this variant nor has this variant been reported in individuals affected with cardiovascular disorders in the literature. This variant has been identified in 2/245490 chromosomes in the general population by the Genome Aggregation Database (gnomAD). Available evidence is insufficient to determine the role of this variant in disease conclusively. Therefore, this variant is classified as a Variant of Uncertain Significance.

Literature cited by the submitters: PubMed 29544605 (cited by Labcorp Genetics (formerly Invitae), Labcorp).

NM_001035.3(RYR2):c.13624G>A (p.Ala4542Thr)

Gene: RYR2 (ryanodine receptor 2; plus strand). Cytogenetic location: 1q43.
Variant type: single nucleotide variant.
Coding change: c.13624G>A on transcript NM_001035.3 (MANE Select); coding-DNA position 13624, G replaced by A.
Protein change: p.Ala4542Thr; replaces alanine 4542 with threonine.
Molecular consequence: missense variant.
Genome position (GRCh38, 1-based): chr1:237,792,165, G>A. VCF-style: chr1-237792165-G-A. GRCh37 (hg19) VCF-style: chr1-237955465-G-A.
Other names: short protein forms A4542T.
Identifiers: ClinVar variation 926290 (VCV000926290.6), dbSNP rs1296705206, ClinGen allele CA345417381.
Genomic context (GRCh38, chr1:237,792,165, plus strand): 5'-GTCTCCACTTCTTCTGTGGTTGAAGGAAAGGAGCTCCCCACGAGAAGTTCAAGTGAAAAT[G>A]CCAAAGTGACAAGCCTGGACAGCAGCTCCCATAGAATCATCGCAGTTCACTATGTACTAG-3'
Protein context (NP_001026.2, residues 4532-4552): ELPTRSSSEN[Ala4542Thr]KVTSLDSSSH